The following is an entry in ClinVar:

NM_015001.3(SPEN):c.7763C>G (p.Pro2588Arg)

Gene: SPEN (spen family transcriptional repressor; plus strand). Cytogenetic location: 1p36.13.
Variant type: single nucleotide variant.
Coding change: c.7763C>G on transcript NM_015001.3 (MANE Select); coding-DNA position 7763, C replaced by G.
Protein change: p.Pro2588Arg; replaces proline 2588 with arginine.
Molecular consequence: missense variant.
Genome position (GRCh38, 1-based): chr1:15,934,003, C>G. VCF-style: chr1-15934003-C-G. GRCh37 (hg19) VCF-style: chr1-16260498-C-G.
Other names: short protein forms P2588R.
Identifiers: ClinVar variation 2500457 (VCV002500457.1), dbSNP rs2071249158, ClinGen allele CA338646650.

ClinVar aggregate classification (germline): Uncertain significance (1 of 4 stars; one submission).

Submission:

GeneDx
Classification: Uncertain significance. Last evaluated: 2022-10-31. Review status: criteria provided, single submitter. Criteria: GeneDx Variant Classification Process June 2021. Collection method: clinical testing. Allele origin: germline. Affected: yes.
Comment: Not observed at significant frequency in large population cohorts (gnomAD); In silico analysis supports that this missense variant does not alter protein structure/function; Has not been previously published as pathogenic or benign to our knowledge